The following is an entry in ClinVar:

ClinVar aggregate classification (germline): Uncertain significance (1 of 4 stars; one submission).

Submission:

GeneDx
Classification: Uncertain significance. Last evaluated: 2014-10-30. Review status: criteria provided, single submitter. Criteria: GeneDx Variant Classification (06012015). Collection method: clinical testing. Allele origin: germline. Affected: yes.
Comment: p.Ala635Asp (GCC>GAC): c.1904 C>A in exon 17 of the MFN2 gene (NM_014874.3). The A635D variant has not been published as a mutation, nor has it been reported as a benign polymorphism to our knowledge. It was not observed in approximately 6,500 individuals of European and African American ancestry in the NHLBI Exome Sequencing Project, indicating it is not a common benign variant in these populations. The A635D variant is a non-conservative amino acid substitution, which is likely to impact secondary protein structure as these residues differ in polarity, charge, size and/or other properties. This substitution occurs at a position that is conserved across species. In silico analysis predicts this variant is probably damaging to the protein structure/function. However, based on the currently available information, it is unclear whether this variant is a pathogenic mutation or a rare benign varaint. The variant is found in NEUROPATHY panel(s).

NM_014874.4(MFN2):c.1904C>A (p.Ala635Asp)

Gene: MFN2 (mitofusin 2; plus strand). Cytogenetic location: 1p36.22.
Variant type: single nucleotide variant.
Coding change: c.1904C>A on transcript NM_014874.4 (MANE Select); coding-DNA position 1904, C replaced by A.
Protein change: p.Ala635Asp; replaces alanine 635 with aspartic acid.
Molecular consequence: missense variant.
Genome position (GRCh38, 1-based): chr1:12,007,084, C>A. VCF-style: chr1-12007084-C-A. GRCh37 (hg19) VCF-style: chr1-12067141-C-A.
Other names: p.A635D:GCC>GAC; c.1904C>A, p.Ala635Asp (NM_001127660.2); short protein forms A635D.
Identifiers: ClinVar variation 214655 (VCV000214655.2), dbSNP rs863224071, ClinGen allele CA325158.